The following is an entry in ClinVar:

NM_006393.3(NEBL):c.2578A>T (p.Asn860Tyr)

Gene: NEBL (nebulette; minus strand). Cytogenetic location: 10p12.31.
Variant type: single nucleotide variant.
Coding change: c.2578A>T on transcript NM_006393.3 (MANE Select); coding-DNA position 2578, A replaced by T.
Protein change: p.Asn860Tyr; replaces asparagine 860 with tyrosine.
Molecular consequence: missense variant. On other transcripts: intron variant (8).
Genome position (GRCh38, 1-based): chr10:20,809,839, T>A on the plus strand (A>T on the coding strand, the complement: NEBL is on the minus strand). VCF-style: chr10-20809839-T-A. GRCh37 (hg19) VCF-style: chr10-21098768-T-A.
Other names: c.589A>T, p.Asn197Tyr (NM_001377322.1); c.421+2930A>T (NM_001377326.1, NM_001377327.1, NM_001377328.1); c.529+2930A>T (NM_213569.2, NM_001173484.2); c.472+2930A>T (NM_001377324.1); c.463+2930A>T (NM_001377325.1); c.481+2930A>T (NM_001377323.1); short protein forms N197Y, N860Y.
Identifiers: ClinVar variation 3878620 (VCV003878620.1).

ClinVar aggregate classification (germline): Uncertain significance (1 of 4 stars; one submission).

gnomAD v4.1: 1 of 1,613,492 alleles (0.000062%); highest among the groups gnomAD compares: Admixed American, 0.0017%; no homozygotes.

Submission:

Ambry Genetics
Classification: Uncertain significance. Last evaluated: 2025-02-06. Review status: criteria provided, single submitter. Criteria: Ambry Variant Classification Scheme 2023. Collection method: clinical testing. Allele origin: germline.
Comment: The p.N860Y variant (also known as c.2578A>T), located in coding exon 25 of the NEBL gene, results from an A to T substitution at nucleotide position 2578. The asparagine at codon 860 is replaced by tyrosine, an amino acid with dissimilar properties. This amino acid position is conserved. In addition, the in silico prediction for this alteration is inconclusive. Based on the available evidence, the clinical significance of this variant remains unclear.